The following is an entry in ClinVar:

NM_001377265.1(MAPT):c.2272G>A (p.Gly758Arg)

Gene: MAPT (microtubule associated protein tau). Cytogenetic location: 17q21.31.
Variant type: single nucleotide variant.
Coding change: c.2272G>A on transcript NM_001377265.1 (MANE Select); coding-DNA position 2272, G replaced by A.
Protein change: p.Gly758Arg; replaces glycine 758 with arginine.
Molecular consequence: missense variant. On other transcripts: non-coding transcript variant (1), intron variant (1).
Genome position (GRCh38, 1-based): chr17:46,018,716, G>A. VCF-style: chr17-46018716-G-A. GRCh37 (hg19) VCF-style: chr17-44096082-G-A.
Other names: c.2101G>A, p.Gly701Arg (NM_001123066.4); c.1009G>A, p.Gly337Arg (NM_001123067.4); c.916G>A, p.Gly306Arg (NM_001203251.2); c.1003G>A, p.Gly335Arg (NM_001203252.2); c.1981G>A, p.Gly661Arg (NM_001377266.1); c.829G>A, p.Gly277Arg (NM_001377268.1, NM_016841.5); c.1096G>A, p.Gly366Arg (NM_005910.6); c.922G>A, p.Gly308Arg (NM_016834.5); and 2 more; short protein forms G277R, G306R, G308R, G335R, G337R, G366R, G661R, G683R.
Identifiers: ClinVar variation 4810656 (VCV004810656.3).

ClinVar aggregate classification (germline): Uncertain significance. Review status: criteria provided, multiple submitters, no conflicts (2 of 4 stars). 2 submissions from 2 submitters: Uncertain significance (2). Last evaluated 2026-04-01.

Conditions:
Frontotemporal dementia (FTD1). Also called: FRONTOTEMPORAL DEMENTIA WITH PARKINSONISM; FRONTOTEMPORAL LOBE DEMENTIA; MULTIPLE SYSTEM TAUOPATHY WITH PRESENILE DEMENTIA; WILHELMSEN-LYNCH DISEASE; Frontotemporal Dementia with Parkinsonism-17 (FTDP-17); Frontotemporal lobe dementia (FLDEM). Identifiers: Orphanet 282, MedGen C0338451, MONDO:0017276, OMIM 600274, HP:0002145.

gnomAD v4.1: 12 of 1,613,560 alleles (0.00074%); highest among the groups gnomAD compares: South Asian, 0.0011%; no homozygotes.

Submissions (2):

CeGaT Center for Human Genetics Tuebingen
Classification: Uncertain significance. Last evaluated: 2026-04-01. Review status: criteria provided, single submitter. Criteria: CeGaT Center For Human Genetics Tuebingen Variant Classification Criteria Version 2. Collection method: clinical testing. Allele origin: germline. Affected: yes. Observed: 1 variant allele.
Comment: MAPT: PM2, PS3:Supporting

Labcorp Genetics (formerly Invitae), Labcorp
Classification: Uncertain significance for Frontotemporal dementia. Last evaluated: 2026-01-31. Review status: criteria provided, single submitter. Criteria: Invitae Variant Classification Sherloc (09022015). Collection method: clinical testing. Allele origin: germline.
Comment: This sequence change replaces glycine, which is neutral and non-polar, with arginine, which is basic and polar, at codon 366 of the MAPT protein (p.Gly366Arg). This variant is present in population databases (no rsID available, gnomAD 0.004%). This missense change has been observed in individual(s) with clinical features of frontotemporal dementia (PMID: 21943955, 23047372). Invitae Evidence Modeling of protein sequence and biophysical properties (such as structural, functional, and spatial information, amino acid conservation, physicochemical variation, residue mobility, and thermodynamic stability) indicates that this missense variant is expected to disrupt MAPT protein function with a positive predictive value of 80%. Experimental studies have shown that this missense change affects MAPT function (PMID: 23047372). In summary, the available evidence is currently insufficient to determine the role of this variant in disease. Therefore, it has been classified as a Variant of Uncertain Significance.

Literature cited by the submitters: PubMed 21943955 (cited by Labcorp Genetics (formerly Invitae), Labcorp); PubMed 23047372 (cited by Labcorp Genetics (formerly Invitae), Labcorp).